The following is an entry in ClinVar:

NM_000565.4(IL6R):c.640+4C>T

Gene: IL6R (interleukin 6 receptor; plus strand). Cytogenetic location: 1q21.3.
Variant type: single nucleotide variant.
Coding change: c.640+4C>T on transcript NM_000565.4 (MANE Select); 4 bases into the intron after coding-DNA position 640, C replaced by T.
Molecular consequence: intron variant.
Genome position (GRCh38, 1-based): chr1:154,434,704, C>T. VCF-style: chr1-154434704-C-T. GRCh37 (hg19) VCF-style: chr1-154407180-C-T.
Other names: c.640+4C>T (NM_001382771.1, NM_001382773.1, NM_001382770.1 and 4 more transcripts); c.280+4C>T (NM_001382774.1).
Identifiers: ClinVar variation 1361404 (VCV001361404.3), dbSNP rs749827630, ClinGen allele CA1129070.

ClinVar aggregate classification (germline): Uncertain significance (1 of 4 stars; one submission).

Allele frequency attached by ClinVar (database versions not stated): ExAC 0.00001; gnomAD 0.00001 and 0.00002; gnomAD exomes 0.00001 and 0.00002; TOPMed 0.00001.
gnomAD v4.1: 19 of 1,612,516 alleles (0.0012%); highest among the groups gnomAD compares: Admixed American, 0.0033%; no homozygotes.

Submission:

Labcorp Genetics (formerly Invitae), Labcorp
Classification: Uncertain significance. Last evaluated: 2022-07-26. Review status: criteria provided, single submitter. Criteria: Invitae Variant Classification Sherloc (09022015). Collection method: clinical testing. Allele origin: germline.
Comment: This sequence change falls in intron 4 of the IL6R gene. It does not directly change the encoded amino acid sequence of the IL6R protein. It affects a nucleotide within the consensus splice site. This variant is present in population databases (rs749827630, gnomAD 0.007%). This variant has not been reported in the literature in individuals affected with IL6R-related conditions. ClinVar contains an entry for this variant (Variation ID: 1361404). Variants that disrupt the consensus splice site are a relatively common cause of aberrant splicing (PMID: 17576681, 9536098). Algorithms developed to predict the effect of sequence changes on RNA splicing suggest that this variant may create or strengthen a splice site. In summary, the available evidence is currently insufficient to determine the role of this variant in disease. Therefore, it has been classified as a Variant of Uncertain Significance.

Literature cited by the submitters: PubMed 17576681; PubMed 9536098.